The following is an entry in ClinVar:

NM_001128228.3(TPRN):c.551G>A (p.Gly184Asp)

Gene: TPRN (taperin; minus strand). Cytogenetic location: 9q34.3.
Variant type: single nucleotide variant.
Coding change: c.551G>A on transcript NM_001128228.3 (MANE Select); coding-DNA position 551, G replaced by A.
Protein change: p.Gly184Asp; replaces glycine 184 with aspartic acid.
Molecular consequence: missense variant.
Genome position (GRCh38, 1-based): chr9:137,200,161, C>T on the plus strand (G>A on the coding strand, the complement: TPRN is on the minus strand). VCF-style: chr9-137200161-C-T. GRCh37 (hg19) VCF-style: chr9-140094613-C-T.
Other names: c.551G>A (NM_001128228.2); short protein forms G184D.
Identifiers: ClinVar variation 1982392 (VCV001982392.7), dbSNP rs1379143451, ClinGen allele CA375781946.

ClinVar aggregate classification (germline): Uncertain significance. Review status: criteria provided, multiple submitters, no conflicts (2 of 4 stars). 3 submissions from 3 submitters: Uncertain significance (3). Last evaluated 2026-03-01.

Conditions:
Inborn genetic diseases. Identifiers: MedGen C0950123, MeSH D030342.

Allele frequency attached by ClinVar (database versions not stated): gnomAD exomes 0.00002; gnomAD 0.00004.
gnomAD v4.1: 22 of 1,188,048 alleles (0.0019%); highest among the groups gnomAD compares: Middle Eastern, 0.066%; no homozygotes.

Submissions (3):

CeGaT Center for Human Genetics Tuebingen
Classification: Uncertain significance. Last evaluated: 2026-03-01. Review status: criteria provided, single submitter. Criteria: CeGaT Center For Human Genetics Tuebingen Variant Classification Criteria Version 2. Collection method: clinical testing. Allele origin: germline. Affected: yes. Observed: 1 variant allele.
Comment: TPRN: PM2

Ambry Genetics
Classification: Uncertain significance for Inborn genetic diseases. Last evaluated: 2025-07-13. Review status: criteria provided, single submitter. Criteria: Ambry Variant Classification Scheme 2023. Collection method: clinical testing. Allele origin: germline.

Labcorp Genetics (formerly Invitae), Labcorp
Classification: Uncertain significance. Last evaluated: 2024-10-14. Review status: criteria provided, single submitter. Criteria: Invitae Variant Classification Sherloc (09022015). Collection method: clinical testing. Allele origin: germline.
Comment: This sequence change replaces glycine, which is neutral and non-polar, with aspartic acid, which is acidic and polar, at codon 184 of the TPRN protein (p.Gly184Asp). The frequency data for this variant in the population databases is considered unreliable, as metrics indicate insufficient coverage at this position in the gnomAD database. This variant has not been reported in the literature in individuals affected with TPRN-related conditions. ClinVar contains an entry for this variant (Variation ID: 1982392). An algorithm developed to predict the effect of missense changes on protein structure and function outputs the following: PolyPhen-2: "Benign". The aspartic acid amino acid residue is found in multiple mammalian species, which suggests that this missense change does not adversely affect protein function. In summary, the available evidence is currently insufficient to determine the role of this variant in disease. Therefore, it has been classified as a Variant of Uncertain Significance.